The following is an entry in ClinVar:

NM_015559.3(SETBP1):c.2248A>T (p.Arg750Trp)

Gene: SETBP1 (SET binding protein 1; plus strand). Cytogenetic location: 18q12.3.
Variant type: single nucleotide variant.
Coding change: c.2248A>T on transcript NM_015559.3 (MANE Select); coding-DNA position 2248, A replaced by T.
Protein change: p.Arg750Trp; replaces arginine 750 with tryptophan.
Molecular consequence: missense variant.
Genome position (GRCh38, 1-based): chr18:44,951,588, A>T. VCF-style: chr18-44951588-A-T. GRCh37 (hg19) VCF-style: chr18-42531553-A-T.
Other names: c.2248A>T, p.Arg750Trp (NM_001379141.1, NM_001379142.1, NM_001410862.1); short protein forms R750W.
Identifiers: ClinVar variation 3658020 (VCV003658020.2).

ClinVar aggregate classification (germline): Uncertain significance (1 of 4 stars; one submission).

gnomAD v4.1: 1 of 1,614,020 alleles (0.000062%); highest among the groups gnomAD compares: African/African-American, 0.0013%; no homozygotes.

Submission:

Labcorp Genetics (formerly Invitae), Labcorp
Classification: Uncertain significance. Last evaluated: 2024-06-26. Review status: criteria provided, single submitter. Criteria: Invitae Variant Classification Sherloc (09022015). Collection method: clinical testing. Allele origin: germline.
Comment: This sequence change replaces arginine, which is basic and polar, with tryptophan, which is neutral and slightly polar, at codon 750 of the SETBP1 protein (p.Arg750Trp). This variant is not present in population databases (gnomAD no frequency). This variant has not been reported in the literature in individuals affected with SETBP1-related conditions. Advanced modeling of protein sequence and biophysical properties (such as structural, functional, and spatial information, amino acid conservation, physicochemical variation, residue mobility, and thermodynamic stability) performed at Invitae indicates that this missense variant is not expected to disrupt SETBP1 protein function with a negative predictive value of 80%. In summary, the available evidence is currently insufficient to determine the role of this variant in disease. Therefore, it has been classified as a Variant of Uncertain Significance.